The following is an entry in ClinVar:

ClinVar aggregate classification (germline): Uncertain significance (1 of 4 stars; one submission).

Conditions:
Charcot-Marie-Tooth disease axonal type 2V. Also called: CHARCOT-MARIE-TOOTH NEUROPATHY, TYPE 2V; CHARCOT-MARIE-TOOTH DISEASE, AXONAL, AUTOSOMAL DOMINANT, TYPE 2V. Identifiers: Orphanet 447964, MedGen C5569050, MONDO:0014665, OMIM 616491.
Mucopolysaccharidosis, MPS-III-B (MPS3B). Also called: N-ACETYL-ALPHA-D-GLUCOSAMINIDASE DEFICIENCY; NAGLU DEFICIENCY; SANFILIPPO SYNDROME B; MPS III B; MUCOPOLYSACCHARIDOSIS, TYPE IIIB; MPS IIIB (Sanfilippo Syndrome Type B). Identifiers: Orphanet 79270, MedGen C0086648, MONDO:0009656, OMIM 252920.

Submission:

Labcorp Genetics (formerly Invitae), Labcorp
Classification: Uncertain significance for Charcot-Marie-Tooth disease axonal type 2V; Mucopolysaccharidosis, MPS-III-B. Last evaluated: 2025-07-28. Review status: criteria provided, single submitter. Criteria: Invitae Variant Classification Sherloc (09022015). Collection method: clinical testing. Allele origin: germline.
Comment: This sequence change replaces asparagine, which is neutral and polar, with lysine, which is basic and polar, at codon 424 of the NAGLU protein (p.Asn424Lys). This variant is not present in population databases (gnomAD no frequency). This variant has not been reported in the literature in individuals affected with NAGLU-related conditions. ClinVar contains an entry for this variant (Variation ID: 2109135). Invitae Evidence Modeling of protein sequence and biophysical properties (such as structural, functional, and spatial information, amino acid conservation, physicochemical variation, residue mobility, and thermodynamic stability) has been performed for this missense variant. However, the output from this modeling did not meet the statistical confidence thresholds required to predict the impact of this variant on NAGLU protein function. In summary, the available evidence is currently insufficient to determine the role of this variant in disease. Therefore, it has been classified as a Variant of Uncertain Significance.

NM_000263.4(NAGLU):c.1272C>A (p.Asn424Lys)

Gene: NAGLU (N-acetyl-alpha-glucosaminidase; plus strand). Cytogenetic location: 17q21.2.
Variant type: single nucleotide variant.
Coding change: c.1272C>A on transcript NM_000263.4 (MANE Select); coding-DNA position 1272, C replaced by A.
Protein change: p.Asn424Lys; replaces asparagine 424 with lysine.
Molecular consequence: missense variant.
Genome position (GRCh38, 1-based): chr17:42,543,278, C>A. VCF-style: chr17-42543278-C-A. GRCh37 (hg19) VCF-style: chr17-40695296-C-A.
Other names: short protein forms N424K.
Identifiers: ClinVar variation 2109135 (VCV002109135.4), dbSNP rs200715586, ClinGen allele CA399601681.
Genomic context (GRCh38, chr17:42,543,278, plus strand): 5'-GTGCATGCTGCACAACTTTGGGGGAAACCATGGTCTTTTTGGAGCCCTAGAGGCTGTGAA[C>A]GGAGGCCCAGAAGCTGCCCGCCTCTTCCCCAACTCCACCATGGTAGGCACGGGCATGGCC-3'
Protein context (NP_000254.2, residues 414-434): HGLFGALEAV[Asn424Lys]GGPEAARLFP